The following is an entry in ClinVar:

ClinVar aggregate classification (germline): Likely benign (1 of 4 stars; one submission).

gnomAD v4.1: 116 of 1,614,068 alleles (0.0072%); highest among the groups gnomAD compares: Non-Finnish European, 0.0094%; no homozygotes.

Submission:

CeGaT Center for Human Genetics Tuebingen
Classification: Likely benign. Last evaluated: 2025-04-01. Review status: criteria provided, single submitter. Criteria: CeGaT Center For Human Genetics Tuebingen Variant Classification Criteria Version 2. Collection method: clinical testing. Allele origin: germline. Affected: yes. Observed: 2 variant alleles.
Comment: SPTBN1: BP4, BS2

NM_003128.3(SPTBN1):c.6997G>A (p.Val2333Ile)

Genes: SPTBN1 (spectrin beta, non-erythrocytic 1; plus strand), SPTBN1-AS2 (SPTBN1 antisense RNA 2; minus strand). Cytogenetic location: 2p16.2.
Variant type: single nucleotide variant.
Coding change: c.6997G>A on transcript NM_003128.3 (MANE Select); coding-DNA position 6997, G replaced by A.
Protein change: p.Val2333Ile; replaces valine 2333 with isoleucine.
Molecular consequence: missense variant.
Genome position (GRCh38, 1-based): chr2:54,668,471, G>A. VCF-style: chr2-54668471-G-A. GRCh37 (hg19) VCF-style: chr2-54895608-G-A.
Other names: short protein forms V2333I.
Identifiers: ClinVar variation 3256990 (VCV003256990.17).